The following is an entry in ClinVar:

NM_000535.7(PMS2):c.1686T>A (p.Phe562Leu)

Gene: PMS2 (PMS1 homolog 2, mismatch repair system component; minus strand). Cytogenetic location: 7p22.1.
Variant type: single nucleotide variant.
Coding change: c.1686T>A on transcript NM_000535.7 (MANE Select); coding-DNA position 1686, T replaced by A.
Protein change: p.Phe562Leu; replaces phenylalanine 562 with leucine.
Molecular consequence: missense variant. On other transcripts: non-coding transcript variant (1).
Genome position (GRCh38, 1-based): chr7:5,987,079, A>T on the plus strand (T>A on the coding strand, the complement: PMS2 is on the minus strand). VCF-style: chr7-5987079-A-T. GRCh37 (hg19) VCF-style: chr7-6026710-A-T.
Other names: c.1281T>A, p.Phe427Leu (NM_001322003.2, NM_001322004.2, NM_001322005.2 and 1 more transcripts); c.1530T>A, p.Phe510Leu (NM_001322006.2); c.1368T>A, p.Phe456Leu (NM_001322007.2, NM_001322008.2); c.1125T>A, p.Phe375Leu (NM_001322010.2); c.753T>A, p.Phe251Leu (NM_001322011.2, NM_001322012.2); c.1113T>A, p.Phe371Leu (NM_001322013.2); c.1686T>A, p.Phe562Leu (NM_001322014.2); c.1377T>A, p.Phe459Leu (NM_001322015.2); short protein forms F562L, F371L, F456L, F251L, F427L, F375L, F510L, F459L.
Identifiers: ClinVar variation 419597 (VCV000419597.24), dbSNP rs764749700, ClinGen allele CA16618503.

ClinVar aggregate classification (germline): Conflicting classifications of pathogenicity. Review status: criteria provided, conflicting classifications (1 of 4 stars). 7 submissions from 7 submitters: Uncertain significance (6); Likely benign (1). Last evaluated 2024-03-19.

Conditions:
Lynch syndrome. Identifiers: Orphanet 144, MedGen C4552100, MONDO:0005835. Disease mechanism: loss of function.
Hereditary nonpolyposis colorectal neoplasms. Identifiers: MedGen C0009405, MeSH D003123.
Mismatch repair cancer syndrome 4. Identifiers: MedGen C5436817, MONDO:0030843, OMIM 619101.
Lynch syndrome 4 (LYNCH4). Also called: Hereditary non-polyposis colorectal cancer, type 4; Colorectal cancer, hereditary nonpolyposis, type 4. Identifiers: Orphanet 144, MedGen C1838333, MONDO:0013699, OMIM 614337. Disease mechanism: loss of function.
Hereditary cancer-predisposing syndrome. Also called: Hereditary neoplastic syndrome; Tumor predisposition; Neoplastic Syndromes, Hereditary; Hereditary Cancer Syndrome. Identifiers: Orphanet 140162, MedGen C0027672, MeSH D009386, MONDO:0015356.

gnomAD v4.1: 3 of 1,614,160 alleles (0.00019%); highest among the groups gnomAD compares: South Asian, 0.0022%; no homozygotes.

Submissions (7):

Ambry Genetics
Classification: Likely benign for Hereditary cancer-predisposing syndrome. Last evaluated: 2024-03-19. Review status: criteria provided, single submitter. Criteria: Ambry Variant Classification Scheme 2023. Collection method: clinical testing. Allele origin: germline.

Color Diagnostics, LLC DBA Color Health
Classification: Uncertain significance for Hereditary cancer-predisposing syndrome. Last evaluated: 2024-03-06. Review status: criteria provided, single submitter. Criteria: ACMG Guidelines, 2015. Collection method: clinical testing. Allele origin: germline.
Comment: This missense variant replaces phenylalanine with leucine at codon 562 of the PMS2 protein. Computational prediction suggests that this variant may not impact protein structure and function (internally defined REVEL score threshold <= 0.5, PMID: 27666373). To our knowledge, functional studies have not been reported for this variant. This variant has not been reported in individuals affected with PMS2-related disorders in the literature. This variant has not been identified in the general population by the Genome Aggregation Database (gnomAD). The available evidence is insufficient to determine the role of this variant in disease conclusively. Therefore, this variant is classified as a Variant of Uncertain Significance.

Labcorp Genetics (formerly Invitae), Labcorp
Classification: Uncertain significance for Hereditary nonpolyposis colorectal neoplasms. Last evaluated: 2024-02-08. Review status: criteria provided, single submitter. Criteria: Invitae Variant Classification Sherloc (09022015). Collection method: clinical testing. Allele origin: germline.
Comment: This sequence change replaces phenylalanine, which is neutral and non-polar, with leucine, which is neutral and non-polar, at codon 562 of the PMS2 protein (p.Phe562Leu). This variant is not present in population databases (gnomAD no frequency). This missense change has been observed in individual(s) with breast cancer (PMID: 34326862). ClinVar contains an entry for this variant (Variation ID: 419597). Advanced modeling of protein sequence and biophysical properties (such as structural, functional, and spatial information, amino acid conservation, physicochemical variation, residue mobility, and thermodynamic stability) performed at Invitae indicates that this missense variant is not expected to disrupt PMS2 protein function with a negative predictive value of 80%. In summary, the available evidence is currently insufficient to determine the role of this variant in disease. Therefore, it has been classified as a Variant of Uncertain Significance.

All of Us Research Program, National Institutes of Health
Classification: Uncertain significance for Lynch syndrome. Last evaluated: 2023-10-06. Review status: criteria provided, single submitter. Criteria: ACMG Guidelines, 2015. Collection method: clinical testing. Allele origin: germline. Inheritance: Autosomal dominant inheritance. Observed: 2 variant alleles, 2 heterozygotes.
Comment: This missense variant replaces phenylalanine with leucine at codon 562 of the PMS2 protein. Computational prediction suggests that this variant may not impact protein structure and function (internally defined REVEL score threshold <= 0.5, PMID: 27666373). To our knowledge, functional studies have not been reported for this variant. This variant has not been reported in individuals affected with PMS2-related disorders in the literature. This variant has not been identified in the general population by the Genome Aggregation Database (gnomAD). The available evidence is insufficient to determine the role of this variant in disease conclusively. Therefore, this variant is classified as a Variant of Uncertain Significance.

This study involves interpretation of variants in research participants for the purpose of population health screening. Participant phenotype was not available at the time of variant classification. Additional details can be found in publication PMID: 35346344, PMCID: PMC8962531

Women's Health and Genetics/Laboratory Corporation of America, LabCorp
Classification: Uncertain significance. Last evaluated: 2022-03-03. Review status: criteria provided, single submitter. Criteria: LabCorp Variant Classification Summary - May 2015. Collection method: clinical testing. Allele origin: germline.

Fulgent Genetics
Classification: Uncertain significance for Lynch syndrome 4; Mismatch repair cancer syndrome 4. Last evaluated: 2021-07-07. Review status: criteria provided, single submitter. Criteria: ACMG Guidelines, 2015. Collection method: clinical testing. Allele origin: unknown.

GeneDx
Classification: Uncertain significance. Last evaluated: 2018-03-22. Review status: criteria provided, single submitter. Criteria: GeneDx Variant Classification (06012015). Collection method: clinical testing. Allele origin: germline. Affected: yes.
Comment: This variant is denoted PMS2 c.1686T>A at the cDNA level, p.Phe562Leu (F562L) at the protein level, and results in the change of a Phenylalanine to a Leucine (TTT>TTA). This variant has not, to our knowledge, been published in the literature as pathogenic or benign. PMS2 Phe562Leu was not observed in large population cohorts (Lek 2016). This variant is not located in a known functional domain. In silico analysis, which includes protein predictors and evolutionary conservation, supports that this variant does not alter protein structure/function. Based on currently available evidence, it is unclear whether PMS2 Phe562Leu is a pathogenic or benign variant. We consider it to be a variant of uncertain significance.

Literature cited by the submitters: PubMed 34326862 (cited by Labcorp Genetics (formerly Invitae), Labcorp).